The following is an entry in ClinVar:

ClinVar aggregate classification (germline): Conflicting classifications of pathogenicity. Review status: criteria provided, conflicting classifications (1 of 4 stars). 5 submissions from 5 submitters: Uncertain significance (3); Likely benign (1). 1 of the submissions does not count toward it. Last evaluated 2025-08-18.

Conditions:
Usher syndrome type 1 (USH1). Also called: RETINITIS PIGMENTOSA AND CONGENITAL DEAFNESS. Identifiers: Orphanet 231169, Orphanet 886, MedGen C1568247, MONDO:0010168, OMIM 276900.
CDH23-related disorder. Also called: CDH23-related disorders; CDH23-related condition.

Allele frequency attached by ClinVar (database versions not stated): ExAC below 0.00001; TOPMed 0.00003; gnomAD 0.00004; gnomAD exomes 0.00004; ESP Exome Variant Server 0.00008.

Submissions (5):

Labcorp Genetics (formerly Invitae), Labcorp
Classification: Likely benign. Last evaluated: 2025-08-18. Review status: criteria provided, single submitter. Criteria: Invitae Variant Classification Sherloc (09022015). Collection method: clinical testing. Allele origin: germline.

PreventionGenetics, part of Exact Sciences
Classification: Uncertain significance for CDH23-related condition. Last evaluated: 2025-01-23. Review status: criteria provided, single submitter. Criteria: ACMG Guidelines, 2015. Collection method: clinical testing. Allele origin: germline.
Comment: The CDH23 c.1750C>T variant is predicted to result in the amino acid substitution p.Arg584Trp. To our knowledge, this variant has not been reported in the literature. This variant is reported in 0.0080% of alleles in individuals of Latino descent in gnomAD. At this time, the clinical significance of this variant is uncertain due to the absence of conclusive functional and genetic evidence.

Blueprint Genetics
Classification: Uncertain significance. Last evaluated: 2024-10-25. Review status: criteria provided, single submitter. Criteria: ACMG Guidelines, 2015. Collection method: clinical testing. Allele origin: germline.

GeneDx
Classification: Uncertain significance. Last evaluated: 2024-07-03. Review status: criteria provided, single submitter. Criteria: GeneDx Variant Classification Process June 2021. Collection method: clinical testing. Allele origin: germline. Affected: yes.
Comment: In silico analysis supports that this missense variant has a deleterious effect on protein structure/function; Has not been previously published as pathogenic or benign to our knowledge

Natera, Inc.
Classification: Uncertain significance for Usher syndrome type 1. Last evaluated: 2020-04-15. Review status: no assertion criteria provided. Collection method: clinical testing. Allele origin: germline. Not counted in ClinVar's aggregate classification.

NM_022124.6(CDH23):c.1750C>T (p.Arg584Trp)

Gene: CDH23 (cadherin related 23; plus strand). Cytogenetic location: 10q22.1.
Variant type: single nucleotide variant.
Coding change: c.1750C>T on transcript NM_022124.6 (MANE Select); coding-DNA position 1750, C replaced by T.
Protein change: p.Arg584Trp; replaces arginine 584 with tryptophan.
Molecular consequence: missense variant.
Genome position (GRCh38, 1-based): chr10:71,677,691, C>T. VCF-style: chr10-71677691-C-T. GRCh37 (hg19) VCF-style: chr10-73437448-C-T.
Other names: c.1750C>T, p.Arg584Trp (NM_001171930.2, NM_001171931.2); short protein forms R584W.
Identifiers: ClinVar variation 763064 (VCV000763064.19), dbSNP rs375781856, ClinGen allele CA5543939.